The following is an entry in ClinVar:

NM_003748.4(ALDH4A1):c.1073A>G (p.His358Arg)

Gene: ALDH4A1 (aldehyde dehydrogenase 4 family member A1; minus strand). Cytogenetic location: 1p36.13.
Variant type: single nucleotide variant.
Coding change: c.1073A>G on transcript NM_003748.4 (MANE Select); coding-DNA position 1073, A replaced by G.
Protein change: p.His358Arg; replaces histidine 358 with arginine.
Molecular consequence: missense variant.
Genome position (GRCh38, 1-based): chr1:18,877,480, T>C on the plus strand (A>G on the coding strand, the complement: ALDH4A1 is on the minus strand). VCF-style: chr1-18877480-T-C. GRCh37 (hg19) VCF-style: chr1-19203974-T-C.
Other names: c.1073A>G (NM_170726.2); c.893A>G, p.His298Arg (NM_001161504.2); c.1073A>G, p.His358Arg (NM_001319218.2, NM_170726.3); short protein forms H358R, H298R.
Identifiers: ClinVar variation 294381 (VCV000294381.17), dbSNP rs145243354, ClinGen allele CA647085.

ClinVar aggregate classification (germline): Conflicting classifications of pathogenicity. Review status: criteria provided, conflicting classifications (1 of 4 stars). 3 submissions from 3 submitters: Uncertain significance (1); Benign (1). 1 of the submissions does not count toward it. Last evaluated 2026-01-18.

Conditions:
Hyperprolinemia type 2 (HYRPRO2). Also called: 1-PYRROLINE-5-CARBOXYLATE DEHYDROGENASE DEFICIENCY; Deficiency of pyrroline-5-carboxylate reductase; Delta-1-pyrroline-5-carboxylate dehydrogenase deficiency. Identifiers: Orphanet 79101, MedGen C2931835, MONDO:0009401, OMIM 239510.
ALDH4A1-related disorder. Also called: ALDH4A1-related condition.

Allele frequency attached by ClinVar (database versions not stated): gnomAD exomes 0.00029 and 0.00053; gnomAD 0.00033 and 0.00034; ESP Exome Variant Server 0.00038; TOPMed 0.00046; ExAC 0.00079.
gnomAD v4.1: 516 of 1,599,652 alleles (0.032%); highest among the groups gnomAD compares: Middle Eastern, 0.017%; 5 homozygotes.

Submissions (3):

Labcorp Genetics (formerly Invitae), Labcorp
Classification: Benign for Hyperprolinemia type 2. Last evaluated: 2026-01-18. Review status: criteria provided, single submitter. Criteria: Invitae Variant Classification Sherloc (09022015). Collection method: clinical testing. Allele origin: germline.

Illumina Laboratory Services, Illumina
Classification: Uncertain significance for Hyperprolinemia type 2. Last evaluated: 2018-01-12. Review status: criteria provided, single submitter. Criteria: ICSL Variant Classification Criteria 13 December 2019. Collection method: clinical testing. Allele origin: germline.

PreventionGenetics, part of Exact Sciences
Classification: Benign for ALDH4A1-related condition. Last evaluated: 2019-05-27. Review status: no assertion criteria provided. Collection method: clinical testing. Allele origin: germline. Not counted in ClinVar's aggregate classification.
Comment: This variant is classified as benign based on ACMG/AMP sequence variant interpretation guidelines (Richards et al. 2015 PMID: 25741868, with internal and published modifications).